The following is an entry in ClinVar:

ClinVar aggregate classification (germline): Conflicting classifications of pathogenicity. Review status: criteria provided, conflicting classifications (1 of 4 stars). 2 submissions from 2 submitters: Likely pathogenic (1); Uncertain significance (1). Last evaluated 2024-05-07.

Conditions:
Autosomal recessive Alport syndrome (ATS2). Also called: COL4A3-Related Nephropathy; COL4A4 Alport Syndrome and Thin Basement Membrane Nephropathy; ALPORT SYNDROME 2, AUTOSOMAL RECESSIVE; Alport syndrome type 2. Identifiers: Orphanet 63, Orphanet 88919, MedGen C4746745, MONDO:0008762, OMIM 203780.
Hematuria, benign familial, 1 (BFH1). Also called: THIN MEMBRANE NEPHROPATHY. Identifiers: MedGen CN376803, MONDO:0007709, OMIM 141200.

Submissions (2):

Fulgent Genetics
Classification: Likely pathogenic for Hematuria, benign familial, 1; Autosomal recessive Alport syndrome. Last evaluated: 2024-05-07. Review status: criteria provided, single submitter. Criteria: ACMG Guidelines, 2015. Collection method: clinical testing. Allele origin: germline.

Women's Health and Genetics/Laboratory Corporation of America, LabCorp
Classification: Uncertain significance. Last evaluated: 2024-05-03. Review status: criteria provided, single submitter. Criteria: LabCorp Variant Classification Summary - May 2015. Collection method: clinical testing. Allele origin: germline.
Comment: Variant summary: COL4A4 c.458G>A (p.Gly153Glu) results in a non-conservative amino acid change located in the Collagen triple helix repeat (IPR008160) of the encoded protein sequence. Four of five in-silico tools predict a benign effect of the variant on protein function. The frequency data for this variant in gnomAD is considered unreliable, as metrics indicate poor data quality at this position. To our knowledge, no occurrence of c.458G>A in individuals affected with Alport Syndrome, Autosomal Recessive and no experimental evidence demonstrating its impact on protein function have been reported. No submitters have cited clinical-significance assessments for this variant to ClinVar. Based on the evidence outlined above, the variant was classified as uncertain significance.

NM_000092.5(COL4A4):c.458G>A (p.Gly153Glu)

Gene: COL4A4 (collagen type IV alpha 4 chain; minus strand). Cytogenetic location: 2q36.3.
Variant type: single nucleotide variant.
Coding change: c.458G>A on transcript NM_000092.5 (MANE Select); coding-DNA position 458, G replaced by A.
Protein change: p.Gly153Glu; replaces glycine 153 with glutamic acid.
Molecular consequence: missense variant.
Genome position (GRCh38, 1-based): chr2:227,118,676, C>T on the plus strand (G>A on the coding strand, the complement: COL4A4 is on the minus strand). VCF-style: chr2-227118676-C-T. GRCh37 (hg19) VCF-style: chr2-227983392-C-T.
Other names: short protein forms G153E.
Identifiers: ClinVar variation 3336206 (VCV003336206.2).